The following is an entry in ClinVar:

NM_021807.4(EXOC4):c.1395T>C (p.Tyr465=)

Gene: EXOC4 (exocyst complex component 4; plus strand). Cytogenetic location: 7q33.
Variant type: single nucleotide variant.
Coding change: c.1395T>C on transcript NM_021807.4 (MANE Select); coding-DNA position 1395, T replaced by C.
Protein change: p.Tyr465=; no amino-acid change (tyrosine 465 retained).
Molecular consequence: synonymous variant.
Genome position (GRCh38, 1-based): chr7:133,480,116, T>C. VCF-style: chr7-133480116-T-C. GRCh37 (hg19) VCF-style: chr7-133164870-T-C.
Other names: c.1395T>C, p.Tyr465= (NM_001037126.2).
Identifiers: ClinVar variation 2658003 (VCV002658003.24), dbSNP rs768440625, ClinGen allele CA4491463.
Genomic context (GRCh38, chr7:133,480,116, plus strand): 5'-ATCGTCCTCCCATGCCATCAGTATGAGCGCCTATCTGCGAGAACAGAGAAGGGAGCTCTA[T>C]AGTCGGAGTGGAGAACTGCAAGGTGAGTGATTGAGCTTCTCTGGAAAAATTAATTTTCTG-3'
Protein context (NP_068579.3, residues 455-475): AYLREQRREL[Tyr465=]SRSGELQGGP

ClinVar aggregate classification (germline): Likely benign (1 of 4 stars; one submission).

Allele frequency attached by ClinVar (database versions not stated): gnomAD 0.00001; gnomAD exomes 0.00001; ExAC 0.00002.
gnomAD v4.1: 17 of 1,614,052 alleles (0.0011%); highest among the groups gnomAD compares: Middle Eastern, 0.017%; no homozygotes.

Submission:

CeGaT Center for Human Genetics Tuebingen
Classification: Likely benign. Last evaluated: 2022-10-01. Review status: criteria provided, single submitter. Criteria: CeGaT Center For Human Genetics Tuebingen Variant Classification Criteria Version 2. Collection method: clinical testing. Allele origin: germline. Affected: yes. Observed: 1 variant allele.
Comment: EXOC4: BP4, BP7